The following is an entry in ClinVar:

NM_000051.4(ATM):c.4049C>T (p.Thr1350Met)

Gene: ATM (ATM serine/threonine kinase; plus strand). Cytogenetic location: 11q22.3.
Variant type: single nucleotide variant.
Coding change: c.4049C>T on transcript NM_000051.4 (MANE Select); coding-DNA position 4049, C replaced by T.
Protein change: p.Thr1350Met; replaces threonine 1350 with methionine.
Molecular consequence: missense variant.
Genome position (GRCh38, 1-based): chr11:108,287,655, C>T. VCF-style: chr11-108287655-C-T. GRCh37 (hg19) VCF-style: chr11-108158382-C-T.
Other names: c.4049C>T, p.Thr1350Met (NM_001351834.2); short protein forms T1350M.
Identifiers: ClinVar variation 141486 (VCV000141486.31), dbSNP rs587781785, ClinGen allele CA165587.

ClinVar aggregate classification (germline): Uncertain significance. Review status: criteria provided, multiple submitters, no conflicts (2 of 4 stars). 12 submissions from 12 submitters: Uncertain significance (11). 1 of the submissions does not count toward it. Last evaluated 2025-07-29.

Conditions:
Hereditary cancer-predisposing syndrome. Also called: Neoplastic Syndromes, Hereditary; Hereditary Cancer Syndrome; Hereditary neoplastic syndrome; Tumor predisposition. Identifiers: Orphanet 140162, MedGen C0027672, MeSH D009386, MONDO:0015356.
Familial cancer of breast. Also called: Hereditary breast cancer; hereditary breast carcinoma; BREAST CANCER, FAMILIAL. Identifiers: Orphanet 227535, MedGen C0346153, MONDO:0016419, OMIM 114480. Disease mechanism: loss of function.
Ataxia-telangiectasia syndrome (AT). Also called: Cerebello-oculocutaneous telangiectasia; Immunodeficiency with ataxia telangiectasia; Ataxia-telangiectasia, complementation group D; AT, COMPLEMENTATION GROUP C; ATAXIA-TELANGIECTASIA, FRESNO VARIANT; ATAXIA-TELANGIECTASIA, COMPLEMENTATION GROUP A. Identifiers: Orphanet 100, MedGen C0004135, MONDO:0008840, OMIM 208900.

Allele frequency attached by ClinVar (database versions not stated): gnomAD 0.00001; gnomAD exomes 0.00002 and 0.00005; TOPMed 0.00002; ExAC 0.00003.
gnomAD v4.1: 30 of 1,613,632 alleles (0.0019%); highest among the groups gnomAD compares: East Asian, 0.016%; no homozygotes.

Submissions (12):

Ambry Genetics
Classification: Uncertain significance for Hereditary cancer-predisposing syndrome. Last evaluated: 2025-07-29. Review status: criteria provided, single submitter. Criteria: Ambry Variant Classification Scheme 2023. Collection method: clinical testing. Allele origin: germline.
Comment: The p.T1350M variant (also known as c.4049C>T), located in coding exon 26 of the ATM gene, results from a C to T substitution at nucleotide position 4049. The threonine at codon 1350 is replaced by methionine, an amino acid with similar properties. This alteration was observed with an allele frequency of 0 in 7,051 unselected female breast cancer patients and was observed with an allele frequency of 0.00009 in 11,241 female controls of Japanese ancestry (Momozawa Y et al. Nat Commun, 2018 10;9:4083). This variant was also reported in 3/60,466 breast cancer cases and in 2/53,461 controls (Dorling et al. N Engl J Med. 2021 02;384:428-439). This amino acid position is highly conserved in available vertebrate species. In addition, this alteration is predicted to be deleterious by in silico analysis. Based on the available evidence, the clinical significance of this variant remains unclear.

Labcorp Genetics (formerly Invitae), Labcorp
Classification: Uncertain significance for Ataxia-telangiectasia syndrome. Last evaluated: 2025-01-19. Review status: criteria provided, single submitter. Criteria: Invitae Variant Classification Sherloc (09022015). Collection method: clinical testing. Allele origin: germline.
Comment: This sequence change replaces threonine, which is neutral and polar, with methionine, which is neutral and non-polar, at codon 1350 of the ATM protein (p.Thr1350Met). This variant is present in population databases (rs587781785, gnomAD 0.03%). This missense change has been observed in individual(s) with melanoma, breast and/or ovarian cancer (PMID: 32068069, 32325837, 34262154). ClinVar contains an entry for this variant (Variation ID: 141486). Invitae Evidence Modeling of protein sequence and biophysical properties (such as structural, functional, and spatial information, amino acid conservation, physicochemical variation, residue mobility, and thermodynamic stability) has been performed for this missense variant. However, the output from this modeling did not meet the statistical confidence thresholds required to predict the impact of this variant on ATM protein function. In summary, the available evidence is currently insufficient to determine the role of this variant in disease. Therefore, it has been classified as a Variant of Uncertain Significance.

Department of Pathology and Laboratory Medicine, Sinai Health System
Classification: Uncertain significance for Familial cancer of breast. Last evaluated: 2024-04-22. Review status: criteria provided, single submitter. Criteria: ACMG Guidelines, 2015. Collection method: clinical testing. Allele origin: germline. Affected: yes.

Women's Health and Genetics/Laboratory Corporation of America, LabCorp
Classification: Uncertain significance. Last evaluated: 2023-08-31. Review status: criteria provided, single submitter. Criteria: LabCorp Variant Classification Summary - May 2015. Collection method: clinical testing. Allele origin: germline.
Comment: Variant summary: ATM c.4049C>T (p.Thr1350Met) results in a non-conservative amino acid change in the encoded protein sequence. Three of five in-silico tools predict a damaging effect of the variant on protein function. The variant allele was found at a frequency of 5.2e-05 in 271256 control chromosomes (gnomAD). This frequency is not significantly higher than estimated for a pathogenic variant in ATM causing Ataxia-Telangiectasia (5.2e-05 vs 0.004), allowing no conclusion about variant significance. c.4049C>T has been reported in the literature in at least one individual affected with familial cutaneous melanoma (e.g. Pastorino_2020), and in individuals with breast cancer as well as healthy control subjects (Momozawa_2018, Kwong_2020, Dorling_2021). These reports do not provide unequivocal conclusions about association of the variant with Ataxia-Telangiectasia. To our knowledge, no experimental evidence demonstrating an impact on protein function has been reported. The following publications have been ascertained in the context of this evaluation (PMID: 30287823, 30181556, 32325837, 28119368, 33471991, 32068069). Seven submitters have cited clinical-significance assessments for this variant to ClinVar after 2014. All submitters classified the variant as uncertain significance. Based on the evidence outlined above, the variant was classified as uncertain significance.

Baylor Genetics
Classification: Uncertain significance for Familial cancer of breast. Last evaluated: 2023-08-29. Review status: criteria provided, single submitter. Criteria: ACMG Guidelines, 2015. Collection method: clinical testing. Allele origin: unknown.

GeneDx
Classification: Uncertain significance. Last evaluated: 2023-07-31. Review status: criteria provided, single submitter. Criteria: GeneDx Variant Classification Process June 2021. Collection method: clinical testing. Allele origin: germline. Affected: yes.
Comment: In silico analysis supports that this missense variant has a deleterious effect on protein structure/function; Observed in individuals with cutaneous melanoma and high-risk breast cancer, as well as both cases and controls in studies of breast and pancreatic cancer (Kwong et al., 2020; Mizukami et al., 2020; Pastorino et al., 2020; Dorling et al., 2021); This variant is associated with the following publications: (PMID: 30287823, 28119368, 33471991, 32980694, 32068069, 32325837)

Color Diagnostics, LLC DBA Color Health
Classification: Uncertain significance for Hereditary cancer-predisposing syndrome. Last evaluated: 2023-02-16. Review status: criteria provided, single submitter. Criteria: ACMG Guidelines, 2015. Collection method: clinical testing. Allele origin: germline.
Comment: This missense variant replaces threonine with methionine at codon 1350 of the ATM protein. Computational prediction suggests that this variant may not impact protein structure and function (internally defined REVEL score threshold <= 0.5, PMID: 27666373). To our knowledge, functional studies have not been reported for this variant. This variant has been reported in an individual affected with cutaneous melanoma (PMID: 32325837). In a large international case-control study, this variant was reported in 3/60466 breast cancer cases and 2/53461 controls (PMID: 33471991). This variant has also been identified in 13/248774 chromosomes in the general population by the Genome Aggregation Database (gnomAD). The available evidence is insufficient to determine the role of this variant in disease conclusively. Therefore, this variant is classified as a Variant of Uncertain Significance.

Fulgent Genetics
Classification: Uncertain significance for Familial cancer of breast; Ataxia-telangiectasia syndrome. Last evaluated: 2021-08-06. Review status: criteria provided, single submitter. Criteria: ACMG Guidelines, 2015. Collection method: clinical testing. Allele origin: unknown.

Sema4
Classification: Uncertain significance for Hereditary cancer-predisposing syndrome. Last evaluated: 2021-07-18. Review status: criteria provided, single submitter. Criteria: Sema4 Curation Guidelines. Collection method: curation. Allele origin: germline.
Comment: The ATM c.4049C>T (p.T1350M) variant has been reported in heterozygosity in at least five individuals with breast cancer or cutaneous melanoma (PMID: 32068069, 33471991, 32325837). However, it has also been reported in healthy controls (PMID: 33471991, 30287823, 32980694). This variant was observed in 6/18378 chromosomes in the East Asian population according to the Genome Aggregation Database (PMID: 32461654) and has been reported in ClinVar (Variation ID: 141486). This variant involves a highly conserved amino acid, and computational analyses do not provide strong support for or against an impact to the protein, though these predictions have not been confirmed by published functional studies. Based on the current evidence available, this variant is interpreted as a variant of uncertain significance.

KCCC/NGS Laboratory, Kuwait Cancer Control Center
Classification: Uncertain significance for Familial cancer of breast. Review status: criteria provided, single submitter. Criteria: ACMG Guidelines, 2015. Collection method: clinical testing. Allele origin: germline. Affected: yes. Observed: 1 heterozygote.
Comment: This sequence change replaces threonine, which is neutral and polar, with methionine, which is neutral and non-polar, at codon 1350 of the ATM protein (p.Thr1350Met). This amino acid position is highly conserved. This variant is present in population databases (rs587781785, gnomAD 0.03%). This missense change has been observed in individual(s) with melanoma, breast and/or ovarian cancer (PMID: 32068069, 32325837, 34262154). ClinVar contains an entry for this variant (Variation ID: 141486). In addition, this alteration is predicted to be deleterious by in silico analysis. . In summary, the available evidence is currently insufficient to determine the role of this variant in disease. Therefore, it has been classified as a Variant of Uncertain Significance .

Neuberg Centre For Genomic Medicine, NCGM
Classification: Uncertain significance for Ataxia-telangiectasia syndrome. Review status: criteria provided, single submitter. Criteria: ACMG Guidelines, 2015. Collection method: clinical testing. Allele origin: germline. Inheritance: Autosomal recessive inheritance. Affected: yes.
Comment: The missense c.4049C>Tp.Thr1350Met variant in ATM gene has been reported previously in heterozygous state in individuals affected with cutaneous melanoma Pastorino et al., 2020. This variant is reported with the allele frequency of 0.005% in the gnomAD Exomes and novel in 1000 Genomes. This variant has been reported to the ClinVar database as Uncertain Significance multiple submitters. However, no details are available for independent assessment. The amino acid Thr at position 1350 is changed to a Met changing protein sequence and it might alter its composition and physico-chemical properties. The amino acid change p.Thr1350Met in ATM is predicted as conserved by GERP++ and PhyloP across 100 vertebrates. For these reasons, this variant has been classified as Uncertain Significance.

Natera, Inc.
Classification: Uncertain significance for Ataxia-telangiectasia. Last evaluated: 2020-09-16. Review status: no assertion criteria provided. Collection method: clinical testing. Allele origin: germline. Not counted in ClinVar's aggregate classification.

Literature cited by the submitters: PubMed 30287823 (cited by 4 submitters); PubMed 33471991 (cited by 5 submitters); PubMed 32068069 (cited by 4 submitters); PubMed 32325837 (cited by 5 submitters); PubMed 34262154 (cited by Labcorp Genetics (formerly Invitae), Labcorp); PubMed 30181556 (cited by Women's Health and Genetics/Laboratory Corporation of America, LabCorp); PubMed 28119368 (cited by Women's Health and Genetics/Laboratory Corporation of America, LabCorp); PubMed 32980694 (cited by Sema4).